The following is an entry in ClinVar:

ClinVar aggregate classification (germline): Uncertain significance. Review status: criteria provided, multiple submitters, no conflicts (2 of 4 stars). 2 submissions from 2 submitters: Uncertain significance (2). Last evaluated 2026-04-09.

Conditions:
Cardiovascular phenotype. Identifiers: MedGen CN230736.
Long QT syndrome (LQTS). Identifiers: MedGen C0023976, MeSH D008133, MONDO:0002442. Disease mechanism: loss of function. Inheritance: Various modes of inheritance.

Allele frequency attached by ClinVar (database versions not stated): gnomAD exomes below 0.00001; ExAC 0.00001; TOPMed 0.00001.
gnomAD v4.1: 3 of 1,614,188 alleles (0.00019%); highest among the groups gnomAD compares: Non-Finnish European, 0.00017%; no homozygotes.

Submissions (2):

Ambry Genetics
Classification: Uncertain significance for Cardiovascular phenotype. Last evaluated: 2026-04-09. Review status: criteria provided, single submitter. Criteria: Ambry Variant Classification Scheme 2023. Collection method: clinical testing. Allele origin: germline.
Comment: The p.N56D variant (also known as c.166A>G), located in coding exon 2 of the AKAP9 gene, results from an A to G substitution at nucleotide position 166. The asparagine at codon 56 is replaced by aspartic acid, an amino acid with highly similar properties. This amino acid position is conserved. In addition, this alteration is predicted to be tolerated by in silico analysis. Based on the available evidence, the clinical significance of this variant remains unclear.

Labcorp Genetics (formerly Invitae), Labcorp
Classification: Uncertain significance for Long QT syndrome. Last evaluated: 2026-01-18. Review status: criteria provided, single submitter. Criteria: Invitae Variant Classification Sherloc (09022015). Collection method: clinical testing. Allele origin: germline.
Comment: This sequence change replaces asparagine, which is neutral and polar, with aspartic acid, which is acidic and polar, at codon 56 of the AKAP9 protein (p.Asn56Asp). This variant is present in population databases (rs747011533, gnomAD 0.0009%). This variant has not been reported in the literature in individuals affected with AKAP9-related conditions. ClinVar contains an entry for this variant (Variation ID: 2891541). An algorithm developed to predict the effect of missense changes on protein structure and function outputs the following: PolyPhen-2: "Benign". The aspartic acid amino acid residue is found in multiple mammalian species, which suggests that this missense change does not adversely affect protein function. In summary, the available evidence is currently insufficient to determine the role of this variant in disease. Therefore, it has been classified as a Variant of Uncertain Significance.

NM_005751.5(AKAP9):c.166A>G (p.Asn56Asp)

Gene: AKAP9 (A-kinase anchoring protein 9; plus strand). Cytogenetic location: 7q21.2.
Variant type: single nucleotide variant.
Coding change: c.166A>G on transcript NM_005751.5 (MANE Select); coding-DNA position 166, A replaced by G.
Protein change: p.Asn56Asp; replaces asparagine 56 with aspartic acid.
Molecular consequence: missense variant.
Genome position (GRCh38, 1-based): chr7:91,973,828, A>G. VCF-style: chr7-91973828-A-G. GRCh37 (hg19) VCF-style: chr7-91603142-A-G.
Other names: c.166A>G, p.Asn56Asp (NM_147185.3); short protein forms N56D.
Identifiers: ClinVar variation 2891541 (VCV002891541.5), dbSNP rs747011533, ClinGen allele CA4335740.